The following is an entry in ClinVar:

ClinVar aggregate classification (germline): Conflicting classifications of pathogenicity. Review status: criteria provided, conflicting classifications (1 of 4 stars). 2 submissions from 2 submitters: Uncertain significance (1); Likely benign (1). Last evaluated 2024-06-06.

Conditions:
Inborn genetic diseases. Identifiers: MedGen C0950123, MeSH D030342.

gnomAD v4.1: 2 of 1,614,152 alleles (0.00012%); highest among the groups gnomAD compares: Admixed American, 0.0033%; no homozygotes.

Submissions (2):

Labcorp Genetics (formerly Invitae), Labcorp
Classification: Uncertain significance. Last evaluated: 2024-06-06. Review status: criteria provided, single submitter. Criteria: Invitae Variant Classification Sherloc (09022015). Collection method: clinical testing. Allele origin: germline.
Comment: This sequence change replaces valine, which is neutral and non-polar, with alanine, which is neutral and non-polar, at codon 1789 of the LTBP2 protein (p.Val1789Ala). This variant is present in population databases (rs529229239, gnomAD 0.006%). This variant has not been reported in the literature in individuals affected with LTBP2-related conditions. ClinVar contains an entry for this variant (Variation ID: 2178253). Algorithms developed to predict the effect of missense changes on protein structure and function output the following: SIFT: "Not Available"; PolyPhen-2: "Benign"; Align-GVGD: "Not Available". The alanine amino acid residue is found in multiple mammalian species, which suggests that this missense change does not adversely affect protein function. In summary, the available evidence is currently insufficient to determine the role of this variant in disease. Therefore, it has been classified as a Variant of Uncertain Significance.

Ambry Genetics
Classification: Likely benign for Inborn genetic diseases. Last evaluated: 2023-03-24. Review status: criteria provided, single submitter. Criteria: Ambry Variant Classification Scheme 2023. Collection method: clinical testing. Allele origin: germline.

NM_000428.3(LTBP2):c.5366T>C (p.Val1789Ala)

Gene: LTBP2 (latent transforming growth factor beta binding protein 2; minus strand). Cytogenetic location: 14q24.3.
Variant type: single nucleotide variant.
Coding change: c.5366T>C on transcript NM_000428.3 (MANE Select); coding-DNA position 5366, T replaced by C.
Protein change: p.Val1789Ala; replaces valine 1789 with alanine.
Molecular consequence: missense variant.
Genome position (GRCh38, 1-based): chr14:74,500,984, A>G on the plus strand (T>C on the coding strand, the complement: LTBP2 is on the minus strand). VCF-style: chr14-74500984-A-G. GRCh37 (hg19) VCF-style: chr14-74967687-A-G.
Other names: c.5366T>C (NM_000428.2); short protein forms V1789A.
Identifiers: ClinVar variation 2178253 (VCV002178253.6), dbSNP rs529229239, ClinGen allele CA7268418.